The following is an entry in ClinVar:

ClinVar aggregate classification (germline): Uncertain significance. Review status: criteria provided, multiple submitters, no conflicts (2 of 4 stars). 2 submissions from 2 submitters: Uncertain significance (2). Last evaluated 2025-05-18.

Conditions:
Juvenile polyposis syndrome (JPS). Identifiers: Orphanet 2929, MedGen C0345893, MONDO:0017380, OMIM 174900.
Hereditary cancer-predisposing syndrome. Also called: Tumor predisposition; Hereditary Cancer Syndrome; Neoplastic Syndromes, Hereditary; Hereditary neoplastic syndrome. Identifiers: Orphanet 140162, MedGen C0027672, MeSH D009386, MONDO:0015356.

Submissions (2):

Labcorp Genetics (formerly Invitae), Labcorp
Classification: Uncertain significance for Juvenile polyposis syndrome. Last evaluated: 2025-05-18. Review status: criteria provided, single submitter. Criteria: Invitae Variant Classification Sherloc (09022015). Collection method: clinical testing. Allele origin: germline.
Comment: This sequence change replaces arginine, which is basic and polar, with glycine, which is neutral and non-polar, at codon 126 of the BMPR1A protein (p.Arg126Gly). This variant is not present in population databases (gnomAD no frequency). This variant has not been reported in the literature in individuals affected with BMPR1A-related conditions. ClinVar contains an entry for this variant (Variation ID: 216581). Invitae Evidence Modeling incorporating data from in vitro experimental studies (internal data) indicates that this missense variant is not expected to disrupt BMPR1A function with a negative predictive value of 95%. In summary, the available evidence is currently insufficient to determine the role of this variant in disease. Therefore, it has been classified as a Variant of Uncertain Significance.

Ambry Genetics
Classification: Uncertain significance for Hereditary cancer-predisposing syndrome. Last evaluated: 2021-12-08. Review status: criteria provided, single submitter. Criteria: Ambry Variant Classification Scheme 2023. Collection method: clinical testing. Allele origin: germline.
Comment: The p.R126G variant (also known as c.376C>G), located in coding exon 4 of the BMPR1A gene, results from a C to G substitution at nucleotide position 376. The arginine at codon 126 is replaced by glycine, an amino acid with dissimilar properties. This amino acid position is well conserved in available vertebrate species. In addition, this alteration is predicted to be deleterious by in silico analysis. Since supporting evidence is limited at this time, the clinical significance of this alteration remains unclear.

NM_004329.3(BMPR1A):c.376C>G (p.Arg126Gly)

Gene: BMPR1A (bone morphogenetic protein receptor type 1A; plus strand). Cytogenetic location: 10q23.2.
Variant type: single nucleotide variant.
Coding change: c.376C>G on transcript NM_004329.3 (MANE Select); coding-DNA position 376, C replaced by G.
Protein change: p.Arg126Gly; replaces arginine 126 with glycine.
Molecular consequence: missense variant.
Genome position (GRCh38, 1-based): chr10:86,899,836, C>G. VCF-style: chr10-86899836-C-G. GRCh37 (hg19) VCF-style: chr10-88659593-C-G.
Other names: short protein forms R126G.
Identifiers: ClinVar variation 216581 (VCV000216581.14), dbSNP rs781258592, ClinGen allele CA337281.